The following is an entry in ClinVar:

ClinVar aggregate classification (germline): Uncertain significance. Review status: criteria provided, multiple submitters, no conflicts (2 of 4 stars). 2 submissions from 2 submitters: Uncertain significance (2). Last evaluated 2021-09-09.

Submissions (2):

Labcorp Genetics (formerly Invitae), Labcorp
Classification: Uncertain significance. Last evaluated: 2021-09-09. Review status: criteria provided, single submitter. Criteria: Invitae Variant Classification Sherloc (09022015). Collection method: clinical testing. Allele origin: germline.
Comment: Algorithms developed to predict the effect of missense changes on protein structure and function are either unavailable or do not agree on the potential impact of this missense change (SIFT: "Deleterious"; PolyPhen-2: "Probably Damaging"; Align-GVGD: "Class C0"). In summary, the available evidence is currently insufficient to determine the role of this variant in disease. Therefore, it has been classified as a Variant of Uncertain Significance. This variant has not been reported in the literature in individuals affected with ADGRV1-related conditions. This variant is not present in population databases (ExAC no frequency). This sequence change replaces glycine with serine at codon 1825 of the ADGRV1 protein (p.Gly1825Ser). The glycine residue is highly conserved and there is a small physicochemical difference between glycine and serine.

GeneDx
Classification: Uncertain significance. Last evaluated: 2020-02-01. Review status: criteria provided, single submitter. Criteria: GeneDx Variant Classification Process June 2021. Collection method: clinical testing. Allele origin: germline. Affected: yes.
Comment: Not observed in large population cohorts (Lek et al., 2016); In silico analysis supports that this missense variant does not alter protein structure/function; Has not been previously published as pathogenic or benign to our knowledge

NM_032119.4(ADGRV1):c.5473G>A (p.Gly1825Ser)

Gene: ADGRV1 (adhesion G protein-coupled receptor V1; plus strand). Cytogenetic location: 5q14.3.
Variant type: single nucleotide variant.
Coding change: c.5473G>A on transcript NM_032119.4 (MANE Select); coding-DNA position 5473, G replaced by A.
Protein change: p.Gly1825Ser; replaces glycine 1825 with serine.
Molecular consequence: missense variant. On other transcripts: non-coding transcript variant (1).
Genome position (GRCh38, 1-based): chr5:90,679,578, G>A. VCF-style: chr5-90679578-G-A. GRCh37 (hg19) VCF-style: chr5-89975395-G-A.
Other names: short protein forms G1825S.
Identifiers: ClinVar variation 1019799 (VCV001019799.8), dbSNP rs1744673100, ClinGen allele CA360412001.
Genomic context (GRCh38, chr5:90,679,578, plus strand): 5'-GTGGGTTGTGTCTCTGTGTCTCCTTGTGAAGTAGCTGAACTCTTTAGGGTTGATGGAAGT[G>A]GTAGTGGTGATGGGGACATGGAATTCTTCCTTCCAACTATTCACAAACGTGGTAAGCAGT-3'
Protein context (NP_115495.3, residues 1815-1835): VAELFRVDGS[Gly1825Ser]SGDGDMEFFL